The following is an entry in ClinVar:

ClinVar aggregate classification (germline): Uncertain significance. Review status: criteria provided, multiple submitters, no conflicts (2 of 4 stars). 2 submissions from 2 submitters: Uncertain significance (2). Last evaluated 2025-11-22.

Conditions:
Pheochromocytoma. Also called: MAX-Related Hereditary Paraganglioma-Pheochromocytoma Syndrome. Identifiers: Orphanet 29072, MedGen C0031511, MONDO:0008233, OMIM 171300, HP:0002666.
Pheochromocytoma/paraganglioma syndrome 4. Also called: CAROTID BODY TUMORS AND MULTIPLE EXTRAADRENAL PHEOCHROMOCYTOMAS; PARAGANGLIOMA, FAMILIAL MALIGNANT; PARAGANGLIOMAS, HEREDITARY EXTRAADRENAL; PHEOCHROMOCYTOMA, FAMILIAL EXTRAADRENAL; Paragangliomas 4; SDHB-Related Hereditary Paraganglioma-Pheochromocytoma Syndrome (Paragangliomas 4). Identifiers: Orphanet 29072, MedGen C1861848, MONDO:0007273, OMIM 115310.
Gastrointestinal stromal tumor. Also called: Gastrointestinal stroma tumor; Gastrointestinal stromal tumor, somatic. Identifiers: Orphanet 44890, MedGen C0238198, MeSH D046152, MONDO:0011719, OMIM 606764, HP:0100723.
Hereditary cancer-predisposing syndrome. Also called: Tumor predisposition; Hereditary Cancer Syndrome; Hereditary neoplastic syndrome; Neoplastic Syndromes, Hereditary. Identifiers: Orphanet 140162, MedGen C0027672, MeSH D009386, MONDO:0015356.

Allele frequency attached by ClinVar (database versions not stated): gnomAD exomes below 0.00001.
gnomAD v4.1: 2 of 1,614,128 alleles (0.00012%); highest among the groups gnomAD compares: South Asian, 0.0011%; no homozygotes.

Submissions (2):

Labcorp Genetics (formerly Invitae), Labcorp
Classification: Uncertain significance for Gastrointestinal stromal tumor; Pheochromocytoma/paraganglioma syndrome 4; Pheochromocytoma. Last evaluated: 2025-11-22. Review status: criteria provided, single submitter. Criteria: Invitae Variant Classification Sherloc (09022015). Collection method: clinical testing. Allele origin: germline.
Comment: This sequence change replaces glutamic acid, which is acidic and polar, with lysine, which is basic and polar, at codon 62 of the SDHB protein (p.Glu62Lys). This variant is not present in population databases (gnomAD no frequency). This variant has not been reported in the literature in individuals affected with SDHB-related conditions. ClinVar contains an entry for this variant (Variation ID: 1372389). Invitae Evidence Modeling of protein sequence and biophysical properties (such as structural, functional, and spatial information, amino acid conservation, physicochemical variation, residue mobility, and thermodynamic stability) indicates that this missense variant is not expected to disrupt SDHB protein function with a negative predictive value of 80%. In summary, the available evidence is currently insufficient to determine the role of this variant in disease. Therefore, it has been classified as a Variant of Uncertain Significance.

Ambry Genetics
Classification: Uncertain significance for Hereditary cancer-predisposing syndrome. Last evaluated: 2025-10-09. Review status: criteria provided, single submitter. Criteria: Ambry Variant Classification Scheme 2023. Collection method: clinical testing. Allele origin: germline.
Comment: The p.E62K variant (also known as c.184G>A), located in coding exon 2 of the SDHB gene, results from a G to A substitution at nucleotide position 184. The glutamic acid at codon 62 is replaced by lysine, an amino acid with similar properties. This amino acid position is conserved. In addition, the in silico prediction for this alteration is inconclusive. Based on the available evidence, the clinical significance of this variant remains unclear.

NM_003000.3(SDHB):c.184G>A (p.Glu62Lys)

Gene: SDHB (succinate dehydrogenase complex iron sulfur subunit B; minus strand). Cytogenetic location: 1p36.13.
Variant type: single nucleotide variant.
Coding change: c.184G>A on transcript NM_003000.3 (MANE Select); coding-DNA position 184, G replaced by A.
Protein change: p.Glu62Lys; replaces glutamic acid 62 with lysine.
Molecular consequence: missense variant.
Genome position (GRCh38, 1-based): chr1:17,044,777, C>T on the plus strand (G>A on the coding strand, the complement: SDHB is on the minus strand). VCF-style: chr1-17044777-C-T. GRCh37 (hg19) VCF-style: chr1-17371272-C-T.
Other names: short protein forms E62K.
Identifiers: ClinVar variation 1372389 (VCV001372389.8), dbSNP rs1231783823, ClinGen allele CA338227762.